The following is an entry in ClinVar:

ClinVar aggregate classification (germline): Benign/Likely benign. Review status: criteria provided, multiple submitters, no conflicts (2 of 4 stars). 2 submissions from 2 submitters: Benign (1); Likely benign (1). Last evaluated 2023-07-07.

Conditions:
Pancreatic cancer, susceptibility to, 1. Identifiers: Orphanet 1333, MedGen C1847351, MONDO:0011739, OMIM 606856.

Allele frequency attached by ClinVar (database versions not stated): gnomAD 0.00006 and 0.00025; ESP Exome Variant Server 0.00008; TOPMed 0.00014; gnomAD exomes 0.00058 and 0.00120; 1000 Genomes Project 30x 0.00109; 1000 Genomes Project 0.00120; ExAC 0.00137.
gnomAD v4.1: 892 of 1,610,600 alleles (0.055%); highest among the groups gnomAD compares: South Asian, 0.82%; 13 homozygotes.

Submissions (2):

KCCC/NGS Laboratory, Kuwait Cancer Control Center
Classification: Likely benign for Pancreatic cancer, susceptibility to, 1. Last evaluated: 2023-07-07. Review status: criteria provided, single submitter. Criteria: ACMG Guidelines, 2015. Collection method: clinical testing. Allele origin: germline. Affected: yes.

Illumina Laboratory Services, Illumina
Classification: Benign for Pancreatic cancer, susceptibility to, 1. Last evaluated: 2018-01-13. Review status: criteria provided, single submitter. Criteria: ICSL Variant Classification Criteria 13 December 2019. Collection method: clinical testing. Allele origin: germline.
Comment: This variant was observed in the ICSL laboratory as part of a predisposition screen in an ostensibly healthy population. It had not been previously curated by ICSL or reported in the Human Gene Mutation Database (HGMD: prior to June 1st, 2018), and was therefore a candidate for classification through an automated scoring system. Utilizing variant allele frequency, disease prevalence and penetrance estimates, and inheritance mode, an automated score was calculated to assess if this variant is too frequent to cause the disease. Based on the score and internal cut-off values, a variant classified as benign is not then subjected to further curation. The score for this variant resulted in a classification of benign for this disease.

NM_001166108.2(PALLD):c.-8G>A

Gene: PALLD (palladin, cytoskeletal associated protein; plus strand). Cytogenetic location: 4q32.3.
Variant type: single nucleotide variant.
Coding change: c.-8G>A on transcript NM_001166108.2 (MANE Select); 8 bases upstream of the start codon, G replaced by A.
Molecular consequence: 5 prime UTR variant.
Genome position (GRCh38, 1-based): chr4:168,511,497, G>A. VCF-style: chr4-168511497-G-A. GRCh37 (hg19) VCF-style: chr4-169432648-G-A.
Other names: c.-8G>A (NM_016081.4).
Identifiers: ClinVar variation 348024 (VCV000348024.6), dbSNP rs372273201, ClinGen allele CA3135278.